The following is an entry in ClinVar:

ClinVar aggregate classification (germline): Uncertain significance (1 of 4 stars; one submission).

Conditions:
Gorlin syndrome. Also called: Nevoid Basal Cell Carcinoma Syndrome; Basal cell nevus syndrome. Identifiers: Orphanet 377, MedGen C0004779, MONDO:0007187.

Allele frequency attached by ClinVar (database versions not stated): ExAC 0.00001; gnomAD 0.00001; gnomAD exomes 0.00001; TOPMed 0.00001.

Submission:

Labcorp Genetics (formerly Invitae), Labcorp
Classification: Uncertain significance for Gorlin syndrome. Last evaluated: 2022-06-30. Review status: criteria provided, single submitter. Criteria: Invitae Variant Classification Sherloc (09022015). Collection method: clinical testing. Allele origin: germline.
Comment: In summary, the available evidence is currently insufficient to determine the role of this variant in disease. Therefore, it has been classified as a Variant of Uncertain Significance. Algorithms developed to predict the effect of missense changes on protein structure and function are either unavailable or do not agree on the potential impact of this missense change (SIFT: "Deleterious"; PolyPhen-2: "Probably Damaging"; Align-GVGD: "Class C0"). This variant has not been reported in the literature in individuals affected with PTCH2-related conditions. This variant is present in population databases (rs752839631, gnomAD 0.0009%). This sequence change replaces serine, which is neutral and polar, with isoleucine, which is neutral and non-polar, at codon 551 of the PTCH2 protein (p.Ser551Ile).

NM_003738.5(PTCH2):c.1652G>T (p.Ser551Ile)

Gene: PTCH2 (patched 2; minus strand). Cytogenetic location: 1p34.1.
Variant type: single nucleotide variant.
Coding change: c.1652G>T on transcript NM_003738.5 (MANE Select); coding-DNA position 1652, G replaced by T.
Protein change: p.Ser551Ile; replaces serine 551 with isoleucine.
Molecular consequence: missense variant.
Genome position (GRCh38, 1-based): chr1:44,828,353, C>A on the plus strand (G>T on the coding strand, the complement: PTCH2 is on the minus strand). VCF-style: chr1-44828353-C-A. GRCh37 (hg19) VCF-style: chr1-45294025-C-A.
Other names: c.1652G>T, p.Ser551Ile (NM_001166292.2); short protein forms S551I.
Identifiers: ClinVar variation 2079580 (VCV002079580.4), dbSNP rs752839631, ClinGen allele CA823221.
Genomic context (GRCh38, chr1:44,828,353, plus strand): 5'-TACCTGGAGAAGCAGCAGAGCACATCAAGGCGCTGGCAGTGGCGCCGCCGTAGGTCCAGG[C>A]TGAGGATGGCTGGGAAGACAAGCATCACGGCTACAAAGGTGCAGCCAACCACTATGGCCG-3'
Protein context (NP_003729.3, residues 541-561): AVMLVFPAIL[Ser551Ile]LDLRRRHCQR